The following is an entry in ClinVar:

ClinVar aggregate classification (germline): Uncertain significance. Review status: criteria provided, multiple submitters, no conflicts (2 of 4 stars). 3 submissions from 3 submitters: Uncertain significance (3). Last evaluated 2023-07-16.

Conditions:
Hereditary nonpolyposis colorectal neoplasms. Identifiers: MedGen C0009405, MeSH D003123.
Hereditary cancer-predisposing syndrome. Also called: Neoplastic Syndromes, Hereditary; Hereditary Cancer Syndrome; Tumor predisposition; Hereditary neoplastic syndrome. Identifiers: Orphanet 140162, MedGen C0027672, MeSH D009386, MONDO:0015356.

Submissions (3):

Labcorp Genetics (formerly Invitae), Labcorp
Classification: Uncertain significance for Hereditary nonpolyposis colorectal neoplasms. Last evaluated: 2023-07-16. Review status: criteria provided, single submitter. Criteria: Invitae Variant Classification Sherloc (09022015). Collection method: clinical testing. Allele origin: germline.
Comment: In summary, the available evidence is currently insufficient to determine the role of this variant in disease. Therefore, it has been classified as a Variant of Uncertain Significance. Advanced modeling of protein sequence and biophysical properties (such as structural, functional, and spatial information, amino acid conservation, physicochemical variation, residue mobility, and thermodynamic stability) performed at Invitae indicates that this missense variant is expected to disrupt MSH6 protein function. ClinVar contains an entry for this variant (Variation ID: 993231). This variant has not been reported in the literature in individuals affected with MSH6-related conditions. This variant is not present in population databases (gnomAD no frequency). This sequence change replaces serine, which is neutral and polar, with proline, which is neutral and non-polar, at codon 1141 of the MSH6 protein (p.Ser1141Pro).

Ambry Genetics
Classification: Uncertain significance for Hereditary cancer-predisposing syndrome. Last evaluated: 2022-02-02. Review status: criteria provided, single submitter. Criteria: Ambry Variant Classification Scheme 2023. Collection method: clinical testing. Allele origin: germline.
Comment: The p.S1141P variant (also known as c.3421T>C), located in coding exon 5 of the MSH6 gene, results from a T to C substitution at nucleotide position 3421. The serine at codon 1141 is replaced by proline, an amino acid with similar properties. This amino acid position is highly conserved in available vertebrate species. In addition, this alteration is predicted to be deleterious by in silico analysis. Since supporting evidence is limited at this time, the clinical significance of this alteration remains unclear.

Quest Diagnostics Nichols Institute San Juan Capistrano
Classification: Uncertain significance. Last evaluated: 2019-12-13. Review status: criteria provided, single submitter. Criteria: Quest Diagnostics criteria. Collection method: clinical testing. Allele origin: unknown.

NM_000179.3(MSH6):c.3421T>C (p.Ser1141Pro)

Gene: MSH6 (mutS homolog 6; plus strand). Cytogenetic location: 2p16.3.
Variant type: single nucleotide variant.
Coding change: c.3421T>C on transcript NM_000179.3 (MANE Select); coding-DNA position 3421, T replaced by C.
Protein change: p.Ser1141Pro; replaces serine 1141 with proline.
Molecular consequence: missense variant.
Genome position (GRCh38, 1-based): chr2:47,803,668, T>C. VCF-style: chr2-47803668-T-C. GRCh37 (hg19) VCF-style: chr2-48030807-T-C.
Other names: c.3031T>C, p.Ser1011Pro (NM_001281492.2); c.2515T>C, p.Ser839Pro (NM_001281493.2, NM_001281494.2); short protein forms S1011P, S1141P, S839P.
Identifiers: ClinVar variation 993231 (VCV000993231.8), dbSNP rs1669772948, ClinGen allele CA346758930.